The following is an entry in ClinVar:

NM_001378418.1(TCF20):c.3924C>G (p.Ile1308Met)

Gene: TCF20 (transcription factor 20; minus strand). Cytogenetic location: 22q13.2.
Variant type: single nucleotide variant.
Coding change: c.3924C>G on transcript NM_001378418.1 (MANE Select); coding-DNA position 3924, C replaced by G.
Protein change: p.Ile1308Met; replaces isoleucine 1308 with methionine.
Molecular consequence: missense variant.
Genome position (GRCh38, 1-based): chr22:42,211,382, G>C on the plus strand (C>G on the coding strand, the complement: TCF20 is on the minus strand). VCF-style: chr22-42211382-G-C. GRCh37 (hg19) VCF-style: chr22-42607388-G-C.
Other names: c.3924C>G, p.Ile1308Met (NM_005650.4, NM_181492.3); short protein forms I1308M.
Identifiers: ClinVar variation 1676493 (VCV001676493.3), dbSNP rs1050687366, ClinGen allele CA324699040.
Genomic context (GRCh38, chr22:42,211,382, plus strand): 5'-GCAGTTTCTACTATCTGGACTTGGAAGGTCCTTGGAGGAATCTCTCTTAGGGATAGACTT[G>C]ATATCCTGACTGTGAGAAAGATGGGCATAGGAATTGAATGCTTTATCAGCGCCTTCTTTT-3'
Protein context (NP_001365347.1, residues 1298-1318): SYAHLSHSQD[Ile1308Met]KSIPKRDSSK

ClinVar aggregate classification (germline): Uncertain significance (1 of 4 stars; one submission).

Submission:

Greenwood Genetic Center Diagnostic Laboratories, Greenwood Genetic Center
Classification: Uncertain significance. Last evaluated: 2022-03-16. Review status: criteria provided, single submitter. Criteria: ACMG Guidelines, 2015. Collection method: clinical testing. Allele origin: germline. Affected: yes.
Comment: PM2